The following is an entry in ClinVar:

ClinVar aggregate classification (germline): Uncertain significance (1 of 4 stars; one submission).

Allele frequency attached by ClinVar (database versions not stated): TOPMed 0.00002.

Submission:

Labcorp Genetics (formerly Invitae), Labcorp
Classification: Uncertain significance. Last evaluated: 2022-03-10. Review status: criteria provided, single submitter. Criteria: Invitae Variant Classification Sherloc (09022015). Collection method: clinical testing. Allele origin: germline.
Comment: This sequence change replaces valine, which is neutral and non-polar, with glycine, which is neutral and non-polar, at codon 774 of the PDE6A protein (p.Val774Gly). This variant is not present in population databases (gnomAD no frequency). This variant has not been reported in the literature in individuals affected with PDE6A-related conditions. ClinVar contains an entry for this variant (Variation ID: 1003387). Algorithms developed to predict the effect of missense changes on protein structure and function are either unavailable or do not agree on the potential impact of this missense change (SIFT: "Deleterious"; PolyPhen-2: "Possibly Damaging"; Align-GVGD: "Class C0"). In summary, the available evidence is currently insufficient to determine the role of this variant in disease. Therefore, it has been classified as a Variant of Uncertain Significance.

NM_000440.3(PDE6A):c.2321T>G (p.Val774Gly)

Gene: PDE6A (phosphodiesterase 6A; minus strand). Cytogenetic location: 5q32.
Variant type: single nucleotide variant.
Coding change: c.2321T>G on transcript NM_000440.3 (MANE Select); coding-DNA position 2321, T replaced by G.
Protein change: p.Val774Gly; replaces valine 774 with glycine.
Molecular consequence: missense variant.
Genome position (GRCh38, 1-based): chr5:149,866,207, A>C on the plus strand (T>G on the coding strand, the complement: PDE6A is on the minus strand). VCF-style: chr5-149866207-A-C. GRCh37 (hg19) VCF-style: chr5-149245770-A-C.
Other names: short protein forms V774G.
Identifiers: ClinVar variation 1003387 (VCV001003387.6), dbSNP rs1760326181, ClinGen allele CA361688308.